The following is an entry in ClinVar:

ClinVar aggregate classification (germline): Conflicting classifications of pathogenicity. Review status: criteria provided, conflicting classifications (1 of 4 stars). 5 submissions from 5 submitters: Uncertain significance (1); Likely benign (3). 1 of the submissions does not count toward it. Last evaluated 2026-01-20.

Conditions:
Bethlem myopathy 2 (BTHLM2). Identifiers: Orphanet 536516, Orphanet 610, MedGen C4225313, MONDO:0034022, OMIM 616471.
Ullrich congenital muscular dystrophy 2 (UCMD2). Identifiers: Orphanet 75840, MedGen C4225314, MONDO:0014654, OMIM 616470.
Cataract 16 multiple types. Also called: CATARACT, CONGENITAL LAMELLAR; CATARACT 16, POSTERIOR POLAR; CATARACT 16, CONGENITAL LAMELLAR. Identifiers: Orphanet 91492, Orphanet 98992, Orphanet 98993, Orphanet 98995, MedGen C3808377, MONDO:0013411, OMIM 613763.

Allele frequency attached by ClinVar (database versions not stated): 1000 Genomes Project 0.00020; ESP Exome Variant Server 0.00025; TOPMed 0.00041; 1000 Genomes Project 30x 0.00016.
gnomAD v4.1: 475 of 1,612,958 alleles (0.029%); highest among the groups gnomAD compares: Middle Eastern, 0.21%; 2 homozygotes.

Submissions (5):

Labcorp Genetics (formerly Invitae), Labcorp
Classification: Likely benign for Bethlem myopathy 2; Ullrich congenital muscular dystrophy 2. Last evaluated: 2026-01-20. Review status: criteria provided, single submitter. Criteria: Invitae Variant Classification Sherloc (09022015). Collection method: clinical testing. Allele origin: germline.

Mayo Clinic Laboratories, Mayo Clinic
Classification: Likely benign. Last evaluated: 2024-12-06. Review status: criteria provided, single submitter. Criteria: ACMG Guidelines, 2015. Collection method: clinical testing. Allele origin: germline. Observed: 5 variant alleles.
Comment: BS1, BP4

CeGaT Center for Human Genetics Tuebingen
Classification: Uncertain significance. Last evaluated: 2022-08-01. Review status: criteria provided, single submitter. Criteria: CeGaT Center For Human Genetics Tuebingen Variant Classification Criteria Version 2. Collection method: clinical testing. Allele origin: germline. Affected: yes. Observed: 2 variant alleles.

GeneDx
Classification: Likely benign. Last evaluated: 2021-04-28. Review status: criteria provided, single submitter. Criteria: GeneDx Variant Classification Process June 2021. Collection method: clinical testing. Allele origin: germline. Affected: yes.

Genomics England Pilot Project, Genomics England
Classification: Likely pathogenic for Cataract 16 multiple types. Review status: no assertion criteria provided. Criteria: ACGS Guidelines, 2016. Collection method: clinical testing. Allele origin: germline. Affected: yes. Not counted in ClinVar's aggregate classification.

NM_004370.6(COL12A1):c.5467G>A (p.Val1823Ile)

Gene: COL12A1 (collagen type XII alpha 1 chain; minus strand). Cytogenetic location: 6q13.
Variant type: single nucleotide variant.
Coding change: c.5467G>A on transcript NM_004370.6 (MANE Select); coding-DNA position 5467, G replaced by A.
Protein change: p.Val1823Ile; replaces valine 1823 with isoleucine.
Molecular consequence: missense variant.
Genome position (GRCh38, 1-based): chr6:75,134,783, C>T on the plus strand (G>A on the coding strand, the complement: COL12A1 is on the minus strand). VCF-style: chr6-75134783-C-T. GRCh37 (hg19) VCF-style: chr6-75844499-C-T.
Other names: c.1975G>A, p.Val659Ile (NM_080645.3); short protein forms V1823I, V659I.
Identifiers: ClinVar variation 475877 (VCV000475877.51), dbSNP rs201408175, ClinGen allele CA3893123.